The following is an entry in ClinVar:

NM_004656.4(BAP1):c.1984-18TCT[2]

Gene: BAP1 (BRCA1 associated deubiquitinase 1; minus strand). Cytogenetic location: 3p21.1.
Variant type: Microsatellite.
Coding change: c.1984-18TCT[2] on transcript NM_004656.4 (MANE Select); two copies in a row of the 3-base unit TCT starting at c.1984-18; the reference has three copies in a row; one copy, 3 bases deleted.
Molecular consequence: intron variant.
Genome position (GRCh38, 1-based): chr3:52,402,684-52,402,686, AGA deleted on the plus strand (TCT on the coding strand, the reverse complement: BAP1 is on the minus strand); deleting any 3 consecutive bases within chr3:52,402,684-52,402,692 gives the same sequence; the position shown is the placement nearest the transcript's 3' end. VCF-style (leftmost placement, unchanged base first): chr3-52402683-GAGA-G. GRCh37 (hg19) VCF-style: chr3-52436699-GAGA-G.
Identifiers: ClinVar variation 1113445 (VCV001113445.10), dbSNP rs766015462, ClinGen allele CA2436628.

ClinVar aggregate classification (germline): Likely benign. Review status: criteria provided, multiple submitters, no conflicts (2 of 4 stars). 3 submissions from 3 submitters: Likely benign (3). Last evaluated 2025-06-25.

Conditions:
Hereditary cancer-predisposing syndrome. Also called: Hereditary neoplastic syndrome; Hereditary Cancer Syndrome; Neoplastic Syndromes, Hereditary; Tumor predisposition. Identifiers: Orphanet 140162, MedGen C0027672, MeSH D009386, MONDO:0015356.
BAP1-related tumor predisposition syndrome (TPDS1). Also called: COMMON Syndrome; BAP1 tumor predisposition syndrome; TUMOR PREDISPOSITION SYNDROME 1; Tumor susceptibility linked to germline BAP1 mutations. Identifiers: Orphanet 289539, MedGen C3280492, MONDO:0013692, OMIM 614327.

Submissions (3):

Labcorp Genetics (formerly Invitae), Labcorp
Classification: Likely benign for BAP1-related tumor predisposition syndrome. Last evaluated: 2025-06-25. Review status: criteria provided, single submitter. Criteria: Invitae Variant Classification Sherloc (09022015). Collection method: clinical testing. Allele origin: germline.

Myriad Genetics, Inc.
Classification: Likely benign for BAP1-related tumor predisposition syndrome. Last evaluated: 2024-07-17. Review status: criteria provided, single submitter. Criteria: Myriad Autosomal Dominant, Autosomal Recessive and X-Linked Classification Criteria (2023). Collection method: clinical testing. Allele origin: unknown.
Comment: This variant is considered likely benign. This variant is intronic and is not expected to impact mRNA splicing.

Color Diagnostics, LLC DBA Color Health
Classification: Likely benign for Hereditary cancer-predisposing syndrome. Last evaluated: 2020-06-22. Review status: criteria provided, single submitter. Criteria: ACMG Guidelines, 2015. Collection method: clinical testing. Allele origin: germline.